The following is an entry in ClinVar:

ClinVar aggregate classification (germline): Uncertain significance. Review status: criteria provided, multiple submitters, no conflicts (2 of 4 stars). 2 submissions from 2 submitters: Uncertain significance (2). Last evaluated 2021-08-14.

Conditions:
DNA ligase IV deficiency. Identifiers: Orphanet 99812, MedGen C1847827, MONDO:0011686, OMIM 606593.

Allele frequency attached by ClinVar (database versions not stated): gnomAD exomes below 0.00001 and 0.00001; gnomAD 0.00001; TOPMed 0.00001.
gnomAD v4.1: 3 of 1,613,328 alleles (0.00019%); highest among the groups gnomAD compares: Non-Finnish European, 0.00025%; no homozygotes.

Submissions (2):

Labcorp Genetics (formerly Invitae), Labcorp
Classification: Uncertain significance for DNA ligase IV deficiency. Last evaluated: 2021-08-14. Review status: criteria provided, single submitter. Criteria: Invitae Variant Classification Sherloc (09022015). Collection method: clinical testing. Allele origin: germline.
Comment: This sequence change replaces serine with glycine at codon 391 of the LIG4 protein (p.Ser391Gly). The serine residue is weakly conserved and there is a small physicochemical difference between serine and glycine. This variant is not present in population databases (ExAC no frequency). This variant has not been reported in the literature in individuals affected with LIG4-related conditions. Algorithms developed to predict the effect of missense changes on protein structure and function output the following: SIFT: "Tolerated"; PolyPhen-2: "Benign"; Align-GVGD: "Class C0". The glycine amino acid residue is found in multiple mammalian species, which suggests that this missense change does not adversely affect protein function. In summary, the available evidence is currently insufficient to determine the role of this variant in disease. Therefore, it has been classified as a Variant of Uncertain Significance.

GeneDx
Classification: Uncertain significance. Last evaluated: 2019-12-16. Review status: criteria provided, single submitter. Criteria: GeneDx Variant Classification Process June 2021. Collection method: clinical testing. Allele origin: germline. Affected: yes.
Comment: Not observed at a significant frequency in large population cohorts (Lek 2016); In silico analysis, which includes protein predictors and evolutionary conservation, supports that this variant does not alter protein structure/function; Has not been previously published as pathogenic or benign to our knowledge

NM_206937.2(LIG4):c.1171A>G (p.Ser391Gly)

Gene: LIG4 (DNA ligase 4; minus strand). Cytogenetic location: 13q33.3.
Variant type: single nucleotide variant.
Coding change: c.1171A>G on transcript NM_206937.2 (MANE Select); coding-DNA position 1171, A replaced by G.
Protein change: p.Ser391Gly; replaces serine 391 with glycine.
Molecular consequence: missense variant.
Genome position (GRCh38, 1-based): chr13:108,210,098, T>C on the plus strand (A>G on the coding strand, the complement: LIG4 is on the minus strand). VCF-style: chr13-108210098-T-C. GRCh37 (hg19) VCF-style: chr13-108862446-T-C.
Other names: c.1171A>G, p.Ser391Gly (NM_001098268.2, NM_001352598.2, NM_001352599.2 and 6 more transcripts); c.970A>G, p.Ser324Gly (NM_001330595.2); c.1207A>G, p.Ser403Gly (NM_001352604.2); short protein forms S324G, S391G, S403G.
Identifiers: ClinVar variation 1311025 (VCV001311025.6), dbSNP rs1357544473, ClinGen allele CA388618150.